The following is an entry in ClinVar:

ClinVar aggregate classification (germline): Pathogenic. Review status: criteria provided, multiple submitters, no conflicts (2 of 4 stars). 2 submissions from 2 submitters: Pathogenic (2). Last evaluated 2024-06-12.

Conditions:
Familial hemophagocytic lymphohistiocytosis 3 (FHL3). Also called: UNC13D-Related Familial Hemophagocytic Lymphohistiocytosis (UNC13D-fHLH). Identifiers: Orphanet 540, MedGen C1837174, MONDO:0012146, OMIM 608898.
Familial hemophagocytic lymphohistiocytosis (FHL). Also called: Hereditary hemophagocytic lymphohistiocytosis; Familial erythrophagocytic lymphohistiocytosis; Familial histiocytic reticulosis. Identifiers: Orphanet 158038, Orphanet 540, MedGen C0272199, MONDO:0015541.

Submissions (2):

Women's Health and Genetics/Laboratory Corporation of America, LabCorp
Classification: Pathogenic for Familial hemophagocytic lymphohistiocytosis. Last evaluated: 2024-06-12. Review status: criteria provided, single submitter. Criteria: LabCorp Variant Classification Summary - May 2015. Collection method: clinical testing. Allele origin: germline.
Comment: Variant summary: UNC13D c.708delC (p.Asp236GlufsX13) results in a premature termination codon, predicted to cause a truncation of the encoded protein or absence of the protein due to nonsense mediated decay, which are commonly known mechanisms for disease. The variant was absent in 251442 control chromosomes. To our knowledge, no occurrence of c.708delC in individuals affected with Familial Hemophagocytic Lymphohistiocytosis and no experimental evidence demonstrating its impact on protein function have been reported. ClinVar contains an entry for this variant (Variation ID: 2077622). Based on the evidence outlined above, the variant was classified as pathogenic.

Labcorp Genetics (formerly Invitae), Labcorp
Classification: Pathogenic for Familial hemophagocytic lymphohistiocytosis 3. Last evaluated: 2022-01-07. Review status: criteria provided, single submitter. Criteria: Invitae Variant Classification Sherloc (09022015). Collection method: clinical testing. Allele origin: germline.
Comment: For these reasons, this variant has been classified as Pathogenic. This variant has not been reported in the literature in individuals affected with UNC13D-related conditions. This variant is not present in population databases (gnomAD no frequency). This sequence change creates a premature translational stop signal (p.Asp236Glufs*13) in the UNC13D gene. It is expected to result in an absent or disrupted protein product. Loss-of-function variants in UNC13D are known to be pathogenic (PMID: 14622600).

Literature cited by the submitters: PubMed 14622600 (cited by Labcorp Genetics (formerly Invitae), Labcorp).

NM_199242.3(UNC13D):c.708del (p.Asp236fs)

Gene: UNC13D (unc-13 homolog D; minus strand). Cytogenetic location: 17q25.1.
Variant type: Deletion.
Coding change: c.708del on transcript NM_199242.3 (MANE Select); coding-DNA position 708, one base deleted (C; older notation c.708delC).
Protein change: p.Asp236fs; shifts the reading frame from aspartic acid 236.
Molecular consequence: frameshift variant.
Genome position (GRCh38, 1-based): chr17:75,840,552, G deleted on the plus strand (C on the coding strand, the reverse complement: UNC13D is on the minus strand). VCF-style (leftmost placement, unchanged base first): chr17-75840551-TG-T. GRCh37 (hg19) VCF-style: chr17-73836632-TG-T.
Other names: c.708delC (NM_199242.3); short protein forms D236fs.
Identifiers: ClinVar variation 2077622 (VCV002077622.5), dbSNP rs2545985543, ClinGen allele CA2580095228.